The following is an entry in ClinVar:

NC_000023.11:g.70027892_70027919del

Gene: EDA (ectodysplasin A; plus strand). Cytogenetic location: Xq13.1.
Variant type: Deletion.
Genome position: GRCh38 VCF-style: chrX-70027891-TCCAGGACCCCCAGGACCTCCAGGACCCC-T. GRCh37 (hg19) VCF-style: chrX-69247741-TCCAGGACCCCCAGGACCTCCAGGACCCC-T.
Other names: c.562_589del, p.Pro188fs (NM_001005609.2, NM_001005612.3, NM_001399.5); short protein forms P188fs.
Identifiers: ClinVar variation 44199 (VCV000044199.4), dbSNP rs397516667, ClinGen allele CA261497.

ClinVar aggregate classification (germline): Pathogenic (1 of 4 stars; one submission).

Conditions:
Hypohidrotic X-linked ectodermal dysplasia (XHED). Also called: Anhidrotic ectodermal dysplasia X-linked; Christ Siemens Touraine syndrome; ECTODERMAL DYSPLASIA 1, HYPOHIDROTIC, X-LINKED; ECTODERMAL DYSPLASIA 1, HYPOHIDROTIC/HAIR/TOOTH TYPE, X-LINKED; ECTODERMAL DYSPLASIA, HYPOHIDROTIC, 1; CST SYNDROME. Identifiers: Orphanet 181, Orphanet 238468, MedGen C0162359, MONDO:0010585, OMIM 305100.

Submission:

Laboratory for Molecular Medicine, Mass General Brigham Personalized Medicine
Classification: Pathogenic for Hypohidrotic X-linked ectodermal dysplasia. Last evaluated: 2012-02-22. Review status: criteria provided, single submitter. Criteria: LMM Criteria. Collection method: clinical testing. Allele origin: germline. Inheritance: X-linked inheritance. Observed: 1 variant allele.
Comment: The Pro188fs variant (EDA) has been reported as a de novo variant in one individ ual with X-linked hypohidrotic ectodermal dysplasia (Monreal 1998). This framesh ift variant is predicted to alter the protein?s amino acid sequence beginning at position 188 and lead to a premature termination codon 83 amino acids downstrea m. This alteration is then predicted to lead to a truncated or absent protein. L oss of function of the EDA gene is an established disease mechanism in X-linked hypohidrotic ectodermal dysplasia. In summary, this variant meets our criteria t o be classified as pathogenic.

Literature cited by the submitters: PubMed 9683615.